The following is an entry in ClinVar:

NM_024685.4(BBS10):c.728_731del (p.Lys243fs)

Gene: BBS10 (Bardet-Biedl syndrome 10; minus strand). Cytogenetic location: 12q21.2.
Variant type: Deletion.
Coding change: c.728_731del on transcript NM_024685.4 (MANE Select); coding-DNA positions 728 to 731, 4 bases deleted (AAGA; older notation c.728_731delAAGA).
Protein change: p.Lys243fs; shifts the reading frame from lysine 243.
Molecular consequence: frameshift variant.
Genome position (GRCh38, 1-based): chr12:76,347,254-76,347,257, TCTT deleted on the plus strand (AAGA on the coding strand, the reverse complement: BBS10 is on the minus strand); deleting any 4 consecutive bases within chr12:76,347,254-76,347,260 gives the same sequence; the c. name uses the placement nearest the transcript's 3' end. VCF-style (leftmost placement, unchanged base first): chr12-76347253-ATCTT-A. GRCh37 (hg19) VCF-style: chr12-76741033-ATCTT-A.
Other names: c.728_731del, p.Lys243fs (LRG_1255t1); short protein forms K243fs.
Identifiers: ClinVar variation 189071 (VCV000189071.40), dbSNP rs786204671, ClinGen allele CA274347.
Genomic context (GRCh38, chr12:76,347,253, plus strand): 5'-AATGGTTTCTGTTACTATCACCATTCGCATGTCACCATCTGCTGGGCGGTACACAGAAAA[ATCTT>A]TCTGAAGCACAAGACCAGCTATGATCCTGGAATCTGAAACAGGAAGGCCAGTGACACCAA-3'

ClinVar aggregate classification (germline): Pathogenic. Review status: criteria provided, multiple submitters, no conflicts (2 of 4 stars). 14 submissions from 14 submitters: Pathogenic (10). 4 of the submissions do not count toward it. Last evaluated 2025-05-27.

Conditions:
BBS10-related disorder. Also called: BBS10-related condition.
Bardet-Biedl syndrome (BBS). Identifiers: Orphanet 110, MedGen C0752166, MONDO:0015229.
Bardet-Biedl syndrome 10 (BBS10). Identifiers: Orphanet 110, MedGen C1859568, MONDO:0014438, OMIM 615987.

Submissions (14):

Labcorp Genetics (formerly Invitae), Labcorp
Classification: Pathogenic for Bardet-Biedl syndrome. Last evaluated: 2025-05-27. Review status: criteria provided, single submitter. Criteria: Invitae Variant Classification Sherloc (09022015). Collection method: clinical testing. Allele origin: germline.
Comment: This sequence change creates a premature translational stop signal (p.Lys243Ilefs*15) in the BBS10 gene. While this is not anticipated to result in nonsense mediated decay, it is expected to disrupt the last 481 amino acid(s) of the BBS10 protein. This variant is present in population databases (rs786204671, gnomAD 0.003%). This premature translational stop signal has been observed in individual(s) with Bardet-Biedl syndrome (PMID: 16582908, 17106446, 22353939, 22773737, 24041679, 27245532). It is commonly reported in individuals of South African ancestry (PMID: 16582908, 17106446, 22353939, 22773737, 24041679, 27245532). This variant is also known as c.995_999delAAGA (p.Q242fs258X). ClinVar contains an entry for this variant (Variation ID: 189071). This variant disrupts a region of the BBS10 protein in which other variant(s) (p.Gly677Valfs*5, p.Val707*) have been determined to be pathogenic (PMID: 20472660, 22773737, 25982971, 27486776; internal data). This suggests that this is a clinically significant region of the protein, and that variants that disrupt it are likely to be disease-causing. For these reasons, this variant has been classified as Pathogenic.

Natera, Inc.
Classification: Pathogenic for Bardet-Biedl syndrome type 10. Last evaluated: 2024-10-17. Review status: criteria provided, single submitter. Criteria: Natera Variant Classification Schema (03/2026). Collection method: clinical testing. Allele origin: germline.
Comment: The c.728_731delAAGA variant in BBS10 is a frameshift variant predicted to shift the reading frame beginning at codon 243 and leads to a stop codon 15 codons downstream. This variant is expected to result in nonsense mediated decay, truncation, or a dysfunctional protein product. This variant is rare in the general population with a frequency below the threshold expected for the associated phenotype(s). This variant has been observed in one or more individuals affected with the associated recessive disease, as either homozygous or compound heterozygous with a second variant (PMID: 21344540). Given the available evidence, this variant is classified as Pathogenic.

Genomic Research Center, Shahid Beheshti University of Medical Sciences
Classification: Pathogenic for Bardet-Biedl syndrome 10. Last evaluated: 2024-05-18. Review status: criteria provided, single submitter. Criteria: ACMG Guidelines, 2015. Collection method: clinical testing. Allele origin: germline. Affected: yes.

Genomic Medicine Center of Excellence, King Faisal Specialist Hospital and Research Centre
Classification: Pathogenic for Bardet-Biedl syndrome 10. Last evaluated: 2024-03-29. Review status: criteria provided, single submitter. Criteria: ACMG Guidelines, 2015. Collection method: clinical testing. Allele origin: germline.

GeneDx
Classification: Pathogenic. Last evaluated: 2023-09-06. Review status: criteria provided, single submitter. Criteria: GeneDx Variant Classification Process June 2021. Collection method: clinical testing. Allele origin: germline. Affected: yes.
Comment: Reported as the most common pathogenic variant among individuals with BBS10-related ciliopathy in South Africa (Fieggen et al., 2016); Frameshift variant predicted to result in protein truncation, as the last 481 amino acids are replaced with 14 different amino acids, and other loss-of-function variants have been reported downstream in HGMD; Not observed at significant frequency in large population cohorts (gnomAD); This variant is associated with the following publications: (PMID: 32949114, 30614526, 27486776, 25982971, 31964843, 27245532, 24041679, 20472660, 17106446, 22773737, 25780760, 22353939, 16582908)

Division of Human Genetics, National Health Laboratory Service/University of the Witwatersrand
Classification: Pathogenic for Bardet-Biedl syndrome. Last evaluated: 2023-07-01. Review status: criteria provided, single submitter. Criteria: ACMG Guidelines, 2015. Collection method: research. Allele origin: germline. Affected: yes.

Baylor Genetics
Classification: Pathogenic for Bardet-Biedl syndrome 10. Last evaluated: 2023-06-09. Review status: criteria provided, single submitter. Criteria: ACMG Guidelines, 2015. Collection method: clinical testing. Allele origin: unknown.

Laboratorio de Genetica e Diagnostico Molecular, Hospital Israelita Albert Einstein
Classification: Pathogenic for Bardet-Biedl syndrome 10. Last evaluated: 2022-09-16. Review status: criteria provided, single submitter. Criteria: ACMG Guidelines, 2015. Collection method: clinical testing. Allele origin: germline. Affected: yes. Observed: 1 variant allele.
Comment: ACMG classification criteria: PVS1 strong, PS4 moderated, PM2 moderated, PM3 moderated

3billion
Classification: Pathogenic for Bardet-Biedl syndrome 10. Last evaluated: 2022-01-03. Review status: criteria provided, single submitter. Criteria: ACMG Guidelines, 2015. Collection method: clinical testing. Allele origin: germline. Affected: yes. Observed: 1 homozygote.
Comment: Frameshift: predicted to result in a loss or disruption of normal protein function through protein truncation. Multiple pathogenic variants are reported in the predicted truncated region (PVS1_S). The variant has been reported at least twice as pathogenic/likely pathogenic with clinical assertions and evidence for the classification (ClinVar ID: VCV000189071, PMID:16582908). It is not observed in the gnomAD v2.1.1 dataset (PM2_M). Therefore, this variant is classified as pathogenic according to the recommendation of ACMG/AMP guideline.

Fulgent Genetics
Classification: Pathogenic for Bardet-Biedl syndrome 10. Last evaluated: 2021-06-30. Review status: criteria provided, single submitter. Criteria: ACMG Guidelines, 2015. Collection method: clinical testing. Allele origin: unknown.
Comment: This variant has been detected in individual(s) who were sent for testing of Renasight - kidney gene panel.

PreventionGenetics, part of Exact Sciences
Classification: Pathogenic for BBS10-related condition. Last evaluated: 2024-08-29. Review status: no assertion criteria provided. Collection method: clinical testing. Allele origin: germline. Not counted in ClinVar's aggregate classification.
Comment: The BBS10 c.728_731delAAGA variant is predicted to result in a frameshift and premature protein termination (p.Lys243Ilefs*15). This variant was reported in the homozygous state in at least fifty individuals with Bardet-Biedl syndrome, and is a suggested founder mutation in the South African population (Fieggen K et al 2016. PubMed ID: 27245532). This variant has not been reported in a large population database, indicating this variant is rare. Frameshift variants in BBS10 are expected to be pathogenic. This variant is interpreted as pathogenic.

Clinical Laboratory Sciences Program (CLSP), King Saud bin Abdulaziz University for Health Sciences (KSAU-HS)
Classification: Pathogenic for Bardet-Biedl syndrome 10. Last evaluated: 2023-04-01. Review status: no assertion criteria provided. Collection method: clinical testing. Allele origin: germline. Affected: yes. Not counted in ClinVar's aggregate classification.

Laboratory of Medical Genetics (UMR_S 1112), INSERM/Strasbourg University
Classification: Pathogenic for Bardet-Biedl syndrome. Last evaluated: 2018-09-15. Review status: no assertion criteria provided. Collection method: provider interpretation. Allele origin: germline. Affected: yes. Study: French fetal BBS cohort. Not counted in ClinVar's aggregate classification.

Counsyl
Classification: Likely pathogenic for Bardet-Biedl syndrome 10. Last evaluated: 2014-11-25. Review status: no assertion criteria provided. Collection method: literature only. Allele origin: unknown. Inheritance: Autosomal recessive inheritance. Not counted in ClinVar's aggregate classification.

Literature cited by the submitters: PubMed 16582908 (cited by 3 submitters); PubMed 17106446 (cited by Labcorp Genetics (formerly Invitae), Labcorp and Counsyl); PubMed 22353939 (cited by Labcorp Genetics (formerly Invitae), Labcorp and Counsyl); PubMed 22773737 (cited by Labcorp Genetics (formerly Invitae), Labcorp and Counsyl); PubMed 24041679 (cited by Labcorp Genetics (formerly Invitae), Labcorp and Counsyl); PubMed 27245532 (cited by Labcorp Genetics (formerly Invitae), Labcorp); PubMed 20472660 (cited by Labcorp Genetics (formerly Invitae), Labcorp); PubMed 25982971 (cited by Labcorp Genetics (formerly Invitae), Labcorp); PubMed 27486776 (cited by Labcorp Genetics (formerly Invitae), Labcorp); PubMed 21344540 (cited by Natera, Inc.); PubMed 30614526 (cited by Laboratory of Medical Genetics (UMR_S 1112), INSERM/Strasbourg University).